The following is an entry in ClinVar:

NM_012431.3(SEMA3E):c.1154A>T (p.Lys385Ile)

Gene: SEMA3E (semaphorin 3E; minus strand). Cytogenetic location: 7q21.11.
Variant type: single nucleotide variant.
Coding change: c.1154A>T on transcript NM_012431.3 (MANE Select); coding-DNA position 1154, A replaced by T.
Protein change: p.Lys385Ile; replaces lysine 385 with isoleucine.
Molecular consequence: missense variant.
Genome position (GRCh38, 1-based): chr7:83,400,240, T>A on the plus strand (A>T on the coding strand, the complement: SEMA3E is on the minus strand). VCF-style: chr7-83400240-T-A. GRCh37 (hg19) VCF-style: chr7-83029556-T-A.
Other names: c.974A>T, p.Lys325Ile (NM_001178129.2); short protein forms K325I, K385I.
Identifiers: ClinVar variation 3709544 (VCV003709544.2).

ClinVar aggregate classification (germline): Uncertain significance (1 of 4 stars; one submission).

Conditions:
CHARGE syndrome (CHARGE). Also called: Hittner Hirsch Kreh syndrome; CHARGE ASSOCIATION--COLOBOMA, HEART ANOMALY, CHOANAL ATRESIA, RETARDATION, GENITAL AND EAR ANOMALIES; Coloboma, heart anomaly, choanal atresia, retardation, genital and ear anomalies; CHARGE association; Hall-Hittner syndrome. Identifiers: Orphanet 138, MedGen C0265354, MONDO:0008965.

Submission:

Labcorp Genetics (formerly Invitae), Labcorp
Classification: Uncertain significance for CHARGE syndrome. Last evaluated: 2025-01-12. Review status: criteria provided, single submitter. Criteria: Invitae Variant Classification Sherloc (09022015). Collection method: clinical testing. Allele origin: germline.
Comment: This sequence change replaces lysine, which is basic and polar, with isoleucine, which is neutral and non-polar, at codon 385 of the SEMA3E protein (p.Lys385Ile). This variant is not present in population databases (gnomAD no frequency). This variant has not been reported in the literature in individuals affected with SEMA3E-related conditions. Invitae Evidence Modeling of protein sequence and biophysical properties (such as structural, functional, and spatial information, amino acid conservation, physicochemical variation, residue mobility, and thermodynamic stability) indicates that this missense variant is not expected to disrupt SEMA3E protein function with a negative predictive value of 80%. In summary, the available evidence is currently insufficient to determine the role of this variant in disease. Therefore, it has been classified as a Variant of Uncertain Significance.